The following is an entry in ClinVar:

ClinVar aggregate classification (germline): Uncertain significance (1 of 4 stars; one submission).

Submission:

Ambry Genetics
Classification: Uncertain significance. Last evaluated: 2022-11-25. Review status: criteria provided, single submitter. Criteria: Ambry Variant Classification Scheme 2023. Collection method: clinical testing. Allele origin: germline.
Comment: The p.S761R variant (also known as c.2283C>G), located in coding exon 21 of the PRKDC gene, results from a C to G substitution at nucleotide position 2283. The serine at codon 761 is replaced by arginine, an amino acid with dissimilar properties. This amino acid position is conserved. In addition, the in silico prediction for this alteration is inconclusive. Since supporting evidence is limited at this time, the clinical significance of this alteration remains unclear.

NM_006904.7(PRKDC):c.2283C>G (p.Ser761Arg)

Gene: PRKDC (protein kinase, DNA-activated, catalytic subunit; minus strand). Cytogenetic location: 8q11.21.
Variant type: single nucleotide variant.
Coding change: c.2283C>G on transcript NM_006904.7 (MANE Select); coding-DNA position 2283, C replaced by G.
Protein change: p.Ser761Arg; replaces serine 761 with arginine.
Molecular consequence: missense variant.
Genome position (GRCh38, 1-based): chr8:47,927,330, G>C on the plus strand (C>G on the coding strand, the complement: PRKDC is on the minus strand). VCF-style: chr8-47927330-G-C. GRCh37 (hg19) VCF-style: chr8-48839890-G-C.
Other names: c.2283C>G, p.Ser761Arg (NM_001081640.2); short protein forms S761R.
Identifiers: ClinVar variation 2449822 (VCV002449822.2), dbSNP rs2551878157, ClinGen allele CA371162106.